The following is an entry in ClinVar:

NM_015178.3(RHOBTB2):c.2100T>C (p.Arg700=)

Gene: RHOBTB2 (Rho related BTB domain containing 2; plus strand). Cytogenetic location: 8p21.3.
Variant type: single nucleotide variant.
Coding change: c.2100T>C on transcript NM_015178.3 (MANE Select); coding-DNA position 2100, T replaced by C.
Protein change: p.Arg700=; no amino-acid change (arginine 700 retained).
Molecular consequence: synonymous variant.
Genome position (GRCh38, 1-based): chr8:23,017,385, T>C. VCF-style: chr8-23017385-T-C. GRCh37 (hg19) VCF-style: chr8-22874898-T-C.
Other names: c.2166T>C (NM_001160036.1); c.2166T>C, p.Arg722= (NM_001160036.2); c.2121T>C, p.Arg707= (NM_001160037.2); c.2100T>C, p.Arg700= (NM_001374791.1).
Identifiers: ClinVar variation 1599430 (VCV001599430.12), dbSNP rs192151421, ClinGen allele CA4672866.

ClinVar aggregate classification (germline): Benign/Likely benign. Review status: criteria provided, multiple submitters, no conflicts (2 of 4 stars). 3 submissions from 3 submitters: Benign (1); Likely benign (1). 1 of the submissions does not count toward it. Last evaluated 2026-04-01.

Conditions:
RHOBTB2-related disorder. Also called: RHOBTB2-related condition.

Allele frequency attached by ClinVar (database versions not stated): gnomAD exomes 0.00005 and 0.00023; ExAC 0.00006; TOPMed 0.00049; gnomAD 0.00085 and 0.00086; 1000 Genomes Project 30x 0.00094; 1000 Genomes Project 0.00120.
gnomAD v4.1: 198 of 1,614,088 alleles (0.012%); highest among the groups gnomAD compares: Admixed American, 0.33%; 4 homozygotes.

Submissions (3):

CeGaT Center for Human Genetics Tuebingen
Classification: Likely benign. Last evaluated: 2026-04-01. Review status: criteria provided, single submitter. Criteria: CeGaT Center For Human Genetics Tuebingen Variant Classification Criteria Version 2. Collection method: clinical testing. Allele origin: germline. Affected: yes. Observed: 1 variant allele.
Comment: RHOBTB2: BP4, BP7

Labcorp Genetics (formerly Invitae), Labcorp
Classification: Benign. Last evaluated: 2026-01-19. Review status: criteria provided, single submitter. Criteria: Invitae Variant Classification Sherloc (09022015). Collection method: clinical testing. Allele origin: germline.

PreventionGenetics, part of Exact Sciences
Classification: Likely benign for RHOBTB2-related condition. Last evaluated: 2019-09-26. Review status: no assertion criteria provided. Collection method: clinical testing. Allele origin: germline. Not counted in ClinVar's aggregate classification.
Comment: This variant is classified as likely benign based on ACMG/AMP sequence variant interpretation guidelines (Richards et al. 2015 PMID: 25741868, with internal and published modifications).